The following is an entry in ClinVar:

ClinVar aggregate classification (germline): Conflicting classifications of pathogenicity. Review status: criteria provided, conflicting classifications (1 of 4 stars). 4 submissions from 4 submitters: Pathogenic (1); Uncertain significance (3). Last evaluated 2025-10-04.

Conditions:
Mucopolysaccharidosis, MPS-III-C (MPS3C). Also called: SANFILIPPO SYNDROME C; MPS III C; mucopolysaccharidosis type 3C; MUCOPOLYSACCHARIDOSIS, TYPE IIIC; MPS IIIC (Sanfilippo Syndrome Type C); Mucopolysaccharidosis type IIIC (Sanfilippo C). Identifiers: Orphanet 581, Orphanet 79271, MedGen C0086649, MONDO:0009657, OMIM 252930.
Retinitis pigmentosa 73 (RP73). Identifiers: Orphanet 791, MedGen C4225287, MONDO:0014687, OMIM 616544.

Allele frequency attached by ClinVar (database versions not stated): gnomAD exomes below 0.00001; TOPMed below 0.00001; ExAC 0.00001.
gnomAD v4.1: 4 of 1,613,038 alleles (0.00025%); highest among the groups gnomAD compares: Non-Finnish European, 0.00025%; no homozygotes.

Submissions (4):

Labcorp Genetics (formerly Invitae), Labcorp
Classification: Uncertain significance for Retinitis pigmentosa 73; Mucopolysaccharidosis, MPS-III-C. Last evaluated: 2025-10-04. Review status: criteria provided, single submitter. Criteria: Invitae Variant Classification Sherloc (09022015). Collection method: clinical testing. Allele origin: germline.
Comment: This sequence change replaces aspartic acid, which is acidic and polar, with asparagine, which is neutral and polar, at codon 443 of the HGSNAT protein (p.Asp443Asn). This variant is present in population databases (rs750583721, gnomAD 0.0009%). This missense change has been observed in individual(s) with clinical features of HGSNAT-related conditions (PMID: 34374989). ClinVar contains an entry for this variant (Variation ID: 2185284). Invitae Evidence Modeling of protein sequence and biophysical properties (such as structural, functional, and spatial information, amino acid conservation, physicochemical variation, residue mobility, and thermodynamic stability) has been performed for this missense variant. However, the output from this modeling did not meet the statistical confidence thresholds required to predict the impact of this variant on HGSNAT protein function. In summary, the available evidence is currently insufficient to determine the role of this variant in disease. Therefore, it has been classified as a Variant of Uncertain Significance.

Women's Health and Genetics/Laboratory Corporation of America, LabCorp
Classification: Uncertain significance. Last evaluated: 2023-05-09. Review status: criteria provided, single submitter. Criteria: LabCorp Variant Classification Summary - May 2015. Collection method: clinical testing. Allele origin: germline.
Comment: Variant summary: HGSNAT c.1327G>A (p.Asp443Asn) results in a conservative amino acid change in the encoded protein sequence. Four of five in-silico tools predict a damaging effect of the variant on protein function. The variant allele was found at a frequency of 4e-06 in 247728 control chromosomes. c.1327G>A has been reported in the literature in a homozygous individual affected with Mucopolysaccharidosis Type IIIC (Sanfilippo Syndrome C) (Saleh_2021). These data indicate that the variant may be associated with disease. To our knowledge, no experimental evidence demonstrating an impact on protein function has been reported. The following publication have been ascertained in the context of this evaluation (PMID: 34374989). Two clinical diagnostic laboratories have submitted clinical-significance assessments for this variant to ClinVar after 2014, and classified the variant as pathogenic (n=1), or uncertain significance (n=1). Based on the evidence outlined above, the variant was classified as VUS-possibly pathogenic.

Center for Human Genetics and Genomic Medicine, Uniklinik Rwth Aachen
Classification: Pathogenic for Mucopolysaccharidosis, MPS-III-C. Last evaluated: 2023-02-01. Review status: criteria provided, single submitter. Criteria: ACMG Guidelines, 2015. Collection method: clinical testing. Allele origin: biparental. Inheritance: Autosomal recessive inheritance. Affected: yes. Observed: 1 homozygote.

Blueprint Genetics
Classification: Uncertain significance. Last evaluated: 2019-08-19. Review status: criteria provided, single submitter. Criteria: ACMG Guidelines, 2015. Collection method: clinical testing. Allele origin: germline.

Literature cited by the submitters: PubMed 34374989 (cited by Labcorp Genetics (formerly Invitae), Labcorp and Women's Health and Genetics/Laboratory Corporation of America, LabCorp).

NM_152419.3(HGSNAT):c.1327G>A (p.Asp443Asn)

Gene: HGSNAT (heparan-alpha-glucosaminide N-acetyltransferase; plus strand). Cytogenetic location: 8p11.21.
Variant type: single nucleotide variant.
Coding change: c.1327G>A on transcript NM_152419.3 (MANE Select); coding-DNA position 1327, G replaced by A.
Protein change: p.Asp443Asn; replaces aspartic acid 443 with asparagine.
Molecular consequence: missense variant.
Genome position (GRCh38, 1-based): chr8:43,192,380, G>A. VCF-style: chr8-43192380-G-A. GRCh37 (hg19) VCF-style: chr8-43047523-G-A.
Other names: Chr8:43192380G>A; c.1327G>A (NM_152419.2); c.1327G>A, p.Asp443Asn (NM_001363227.2); c.1135G>A, p.Asp379Asn (NM_001363228.2); c.463G>A, p.Asp155Asn (NM_001363229.2); short protein forms D155N, D379N, D443N.
Identifiers: ClinVar variation 2185284 (VCV002185284.10), dbSNP rs750583721, ClinGen allele CA4736844.